The following is an entry in ClinVar:

NM_178172.6(GPIHBP1):c.368G>A (p.Gly123Glu)

Gene: GPIHBP1 (glycosylphosphatidylinositol anchored high density lipoprotein binding protein 1; plus strand). Cytogenetic location: 8q24.3.
Variant type: single nucleotide variant.
Coding change: c.368G>A on transcript NM_178172.6 (MANE Select); coding-DNA position 368, G replaced by A.
Protein change: p.Gly123Glu; replaces glycine 123 with glutamic acid.
Molecular consequence: missense variant.
Genome position (GRCh38, 1-based): chr8:143,215,331, G>A. VCF-style: chr8-143215331-G-A. GRCh37 (hg19) VCF-style: chr8-144297206-G-A.
Other names: c.368G>A, p.Gly123Glu (NM_001301772.2); short protein forms G123E.
Identifiers: ClinVar variation 1207087 (VCV001207087.19), dbSNP rs201685731, ClinGen allele CA4907117.

ClinVar aggregate classification (germline): Conflicting classifications of pathogenicity. Review status: criteria provided, conflicting classifications (1 of 4 stars). 6 submissions from 6 submitters: Uncertain significance (3); Benign (2); Likely benign (1). Last evaluated 2026-01-27.

Conditions:
Cardiovascular phenotype. Identifiers: MedGen CN230736.
Hyperlipoproteinemia, type 1D. Also called: Hyperlipoproteinemia, type ID. Identifiers: Orphanet 444490, Orphanet 535458, MedGen C4014767, MONDO:0014412, OMIM 615947.
GPIHBP1-related disorder. Also called: GPIHBP1-related condition.

Allele frequency attached by ClinVar (database versions not stated): ESP Exome Variant Server 0.00031; ExAC 0.00047; gnomAD 0.00047 and 0.00049; TOPMed 0.00051; gnomAD exomes 0.00061.

Submissions (6):

Labcorp Genetics (formerly Invitae), Labcorp
Classification: Benign. Last evaluated: 2026-01-27. Review status: criteria provided, single submitter. Criteria: Invitae Variant Classification Sherloc (09022015). Collection method: clinical testing. Allele origin: germline.

PreventionGenetics, part of Exact Sciences
Classification: Uncertain significance for GPIHBP1-related condition. Last evaluated: 2025-06-15. Review status: criteria provided, single submitter. Criteria: ACMG Guidelines, 2015. Collection method: clinical testing. Allele origin: germline.
Comment: The GPIHBP1 c.368G>A variant is predicted to result in the amino acid substitution p.Gly123Glu. This variant has been reported in an individual with Hypercholesterolemia, although no further evidence was provided to determine its pathogenicity (Gill et al. 2021. PubMed ID: 33303402. Table S2). This variant has also been reported in a cohort study with lipoprotein metabolism or coronary artery disease (Benes et al. 2019. PubMed ID: 31153847). However, functional study showed that this variant did not affect GPIHBP1 expression (Beigneux et al. 2011. PubMed ID: 21478160). This variant is reported in 0.82% of alleles in individuals of Ashkenazi Jewish descent in gnomAD. Although we suspect that this variant may be benign, at this time, the clinical significance of this variant is uncertain due to the absence of conclusive functional and genetic evidence.

Blueprint Genetics
Classification: Likely benign. Last evaluated: 2024-11-22. Review status: criteria provided, single submitter. Criteria: ACMG Guidelines, 2015. Collection method: clinical testing. Allele origin: germline.

GeneDx
Classification: Uncertain significance. Last evaluated: 2024-04-11. Review status: criteria provided, single submitter. Criteria: GeneDx Variant Classification Process June 2021. Collection method: clinical testing. Allele origin: germline. Affected: yes.
Comment: Identified in patients with hypercholesterolemia and hypertriglyceridemia in published literature (PMID: 33303402, 31153847, 36325899); A published functional study suggests that the p.(G123E) variant at no effect on LPL binding (PMID: 21478160); In silico analysis supports that this missense variant has a deleterious effect on protein structure/function; This variant is associated with the following publications: (PMID: 31153847, 21478160, 36325899, 33303402)

New York Genome Center
Classification: Uncertain significance for Hyperlipoproteinemia, type 1D. Last evaluated: 2022-06-15. Review status: criteria provided, single submitter. Criteria: NYGC Assertion Criteria 2020. Collection method: clinical testing. Allele origin: germline. Observed: 2 heterozygotes. Clinical features observed: Coronary artery atherosclerosis (HP:0001677), Hepatic steatosis (HP:0001397), Type 2 diabetes mellitus (HP:0005978).

Ambry Genetics
Classification: Benign for Cardiovascular phenotype. Last evaluated: 2020-09-18. Review status: criteria provided, single submitter. Criteria: Ambry Variant Classification Scheme 2023. Collection method: clinical testing. Allele origin: germline.

Literature cited by the submitters: PubMed 21478160 (cited by Ambry Genetics); PubMed 31153847 (cited by Ambry Genetics).